The following is an entry in ClinVar:

ClinVar aggregate classification (germline): Uncertain significance. Review status: criteria provided, multiple submitters, no conflicts (2 of 4 stars). 2 submissions from 2 submitters: Uncertain significance (2). Last evaluated 2025-09-21.

Conditions:
Neuromuscular disease caused by qualitative or quantitative defects of dysferlin. Also called: Dysferlinopathy; Qualitative or quantitative defects of dysferlin. Identifiers: Orphanet 207073, MedGen C2931687, MONDO:0016145.
Inborn genetic diseases. Identifiers: MedGen C0950123, MeSH D030342.

Allele frequency attached by ClinVar (database versions not stated): TOPMed below 0.00001.
gnomAD v4.1: 13 of 1,613,824 alleles (0.00081%); highest among the groups gnomAD compares: Non-Finnish European, 0.0011%; no homozygotes.

Submissions (2):

Ambry Genetics
Classification: Uncertain significance for Inborn genetic diseases. Last evaluated: 2025-09-21. Review status: criteria provided, single submitter. Criteria: Ambry Variant Classification Scheme 2023. Collection method: clinical testing. Allele origin: germline.

Labcorp Genetics (formerly Invitae), Labcorp
Classification: Uncertain significance for Neuromuscular disease caused by qualitative or quantitative defects of dysferlin. Last evaluated: 2022-07-15. Review status: criteria provided, single submitter. Criteria: Invitae Variant Classification Sherloc (09022015). Collection method: clinical testing. Allele origin: germline.
Comment: This sequence change replaces aspartic acid, which is acidic and polar, with glutamic acid, which is acidic and polar, at codon 974 of the DYSF protein (p.Asp974Glu). This variant is not present in population databases (gnomAD no frequency). This variant has not been reported in the literature in individuals affected with DYSF-related conditions. ClinVar contains an entry for this variant (Variation ID: 1412547). Advanced modeling of protein sequence and biophysical properties (such as structural, functional, and spatial information, amino acid conservation, physicochemical variation, residue mobility, and thermodynamic stability) performed at Invitae indicates that this missense variant is not expected to disrupt DYSF protein function. In summary, the available evidence is currently insufficient to determine the role of this variant in disease. Therefore, it has been classified as a Variant of Uncertain Significance.

NM_001130987.2(DYSF):c.2976T>A (p.Asp992Glu)

Gene: DYSF (dysferlin; plus strand). Cytogenetic location: 2p13.2.
Variant type: single nucleotide variant.
Coding change: c.2976T>A on transcript NM_001130987.2 (MANE Select); coding-DNA position 2976, T replaced by A.
Protein change: p.Asp992Glu; replaces aspartic acid 992 with glutamic acid.
Molecular consequence: missense variant.
Genome position (GRCh38, 1-based): chr2:71,569,931, T>A. VCF-style: chr2-71569931-T-A. GRCh37 (hg19) VCF-style: chr2-71797061-T-A.
Other names: c.2925T>A, p.Asp975Glu (NM_001130455.2, NM_001130983.2); c.2880T>A, p.Asp960Glu (NM_001130976.2, NM_001130977.2); c.2922T>A, p.Asp974Glu (NM_001130978.2, NM_003494.4); c.3015T>A, p.Asp1005Glu (NM_001130979.2); c.2973T>A, p.Asp991Glu (NM_001130980.2, NM_001130981.2); c.3018T>A, p.Asp1006Glu (NM_001130982.2); c.2883T>A, p.Asp961Glu (NM_001130984.2, NM_001130986.2); c.2976T>A, p.Asp992Glu (NM_001130985.2); and 1 more; short protein forms D1006E, D960E, D991E, D992E, D975E, D961E, D974E, D1005E.
Identifiers: ClinVar variation 1412547 (VCV001412547.6), dbSNP rs1328741092, ClinGen allele CA347216251.